The following is an entry in ClinVar:

NM_139343.3(BIN1):c.1435G>A (p.Glu479Lys)

Gene: BIN1 (bridging integrator 1; minus strand). Cytogenetic location: 2q14.3.
Variant type: single nucleotide variant.
Coding change: c.1435G>A on transcript NM_139343.3 (MANE Select); coding-DNA position 1435, G replaced by A.
Protein change: p.Glu479Lys; replaces glutamic acid 479 with lysine.
Molecular consequence: missense variant. On other transcripts: intron variant (3).
Genome position (GRCh38, 1-based): chr2:127,051,180, C>T on the plus strand (G>A on the coding strand, the complement: BIN1 is on the minus strand). VCF-style: chr2-127051180-C-T. GRCh37 (hg19) VCF-style: chr2-127808756-C-T.
Other names: c.1210G>A, p.Glu404Lys (NM_139347.3); c.1102G>A, p.Glu368Lys (NM_139348.3); c.1081G>A, p.Glu361Lys (NM_139349.3); c.973G>A, p.Glu325Lys (NM_139350.3); c.838-268G>A (NM_001320634.1); c.910-268G>A (NM_139351.3); c.955-268G>A (NM_001320632.2); c.1066G>A, p.Glu356Lys (NM_001320633.2); and 7 more; short protein forms E368K, E404K, E479K, E392K, E436K, E448K, E356K, E325K.
Identifiers: ClinVar variation 1402934 (VCV001402934.6), dbSNP rs865803817, ClinGen allele CA55337788.

ClinVar aggregate classification (germline): Uncertain significance (1 of 4 stars; one submission).

Conditions:
Myopathy, centronuclear, 2 (CNM2). Also called: MYOTUBULAR MYOPATHY, AUTOSOMAL RECESSIVE. Identifiers: Orphanet 169186, MedGen CN031787, MONDO:0009709, OMIM 255200.

gnomAD v4.1: 3 of 1,613,430 alleles (0.00019%); highest among the groups gnomAD compares: Admixed American, 0.0017%; no homozygotes.

Submission:

Labcorp Genetics (formerly Invitae), Labcorp
Classification: Uncertain significance for Myopathy, centronuclear, 2. Last evaluated: 2023-05-23. Review status: criteria provided, single submitter. Criteria: Invitae Variant Classification Sherloc (09022015). Collection method: clinical testing. Allele origin: germline.
Comment: In summary, the available evidence is currently insufficient to determine the role of this variant in disease. Therefore, it has been classified as a Variant of Uncertain Significance. An algorithm developed to predict the effect of missense changes on protein structure and function (PolyPhen-2) suggests that this variant is likely to be tolerated. This sequence change replaces glutamic acid, which is acidic and polar, with lysine, which is basic and polar, at codon 479 of the BIN1 protein (p.Glu479Lys). This variant is not present in population databases (gnomAD no frequency). This variant has not been reported in the literature in individuals affected with BIN1-related conditions. ClinVar contains an entry for this variant (Variation ID: 1402934).